The following is an entry in ClinVar:

ClinVar aggregate classification (germline): Uncertain significance (1 of 4 stars; one submission).

Submission:

Ambry Genetics
Classification: Uncertain significance. Last evaluated: 2024-12-02. Review status: criteria provided, single submitter. Criteria: Ambry Variant Classification Scheme 2023. Collection method: clinical testing. Allele origin: germline.
Comment: The p.C471G variant (also known as c.1411T>G), located in coding exon 11 of the RECQL gene, results from a T to G substitution at nucleotide position 1411. The cysteine at codon 471 is replaced by glycine, an amino acid with highly dissimilar properties. This amino acid position is highly conserved in available vertebrate species. In addition, the in silico prediction for this alteration is inconclusive. The evidence for this gene-disease relationship is limited; therefore, the clinical significance of this alteration is unclear.

NM_002907.4(RECQL):c.1411T>G (p.Cys471Gly)

Gene: RECQL (RecQ like helicase; minus strand). Cytogenetic location: 12p12.1.
Variant type: single nucleotide variant.
Coding change: c.1411T>G on transcript NM_002907.4 (MANE Select); coding-DNA position 1411, T replaced by G.
Protein change: p.Cys471Gly; replaces cysteine 471 with glycine.
Molecular consequence: missense variant.
Genome position (GRCh38, 1-based): chr12:21,473,587, A>C on the plus strand (T>G on the coding strand, the complement: RECQL is on the minus strand). VCF-style: chr12-21473587-A-C. GRCh37 (hg19) VCF-style: chr12-21626521-A-C.
Other names: c.1411T>G, p.Cys471Gly (NM_032941.3); short protein forms C471G.
Identifiers: ClinVar variation 3431832 (VCV003431832.1).